The following is an entry in ClinVar:

ClinVar aggregate classification (germline): Uncertain significance. Review status: criteria provided, multiple submitters, no conflicts (2 of 4 stars). 2 submissions from 2 submitters: Uncertain significance (2). Last evaluated 2023-09-27.

Conditions:
Hereditary nonpolyposis colorectal neoplasms. Identifiers: MedGen C0009405, MeSH D003123.
Hereditary cancer-predisposing syndrome. Also called: Tumor predisposition; Hereditary neoplastic syndrome; Hereditary Cancer Syndrome; Neoplastic Syndromes, Hereditary. Identifiers: Orphanet 140162, MedGen C0027672, MeSH D009386, MONDO:0015356.

Submissions (2):

Ambry Genetics
Classification: Uncertain significance for Hereditary cancer-predisposing syndrome. Last evaluated: 2023-09-27. Review status: criteria provided, single submitter. Criteria: Ambry Variant Classification Scheme 2023. Collection method: clinical testing. Allele origin: germline.
Comment: The p.Q236E variant (also known as c.706C>G), located in coding exon 4 of the MSH6 gene, results from a C to G substitution at nucleotide position 706. The glutamine at codon 236 is replaced by glutamic acid, an amino acid with highly similar properties. This amino acid position is conserved. In addition, this alteration is predicted to be tolerated by in silico analysis. Since supporting evidence is limited at this time, the clinical significance of this alteration remains unclear.

Labcorp Genetics (formerly Invitae), Labcorp
Classification: Uncertain significance for Hereditary nonpolyposis colorectal neoplasms. Last evaluated: 2021-09-02. Review status: criteria provided, single submitter. Criteria: Invitae Variant Classification Sherloc (09022015). Collection method: clinical testing. Allele origin: germline.
Comment: This sequence change replaces glutamine with glutamic acid at codon 236 of the MSH6 protein (p.Gln236Glu). The glutamine residue is weakly conserved and there is a small physicochemical difference between glutamine and glutamic acid. This variant is not present in population databases (ExAC no frequency). This variant has not been reported in the literature in individuals affected with MSH6-related conditions. Algorithms developed to predict the effect of missense changes on protein structure and function output the following: SIFT: "Tolerated"; PolyPhen-2: "Benign"; Align-GVGD: "Class C0". The glutamic acid amino acid residue is found in multiple mammalian species, which suggests that this missense change does not adversely affect protein function. In summary, the available evidence is currently insufficient to determine the role of this variant in disease. Therefore, it has been classified as a Variant of Uncertain Significance.

NM_000179.3(MSH6):c.706C>G (p.Gln236Glu)

Gene: MSH6 (mutS homolog 6; plus strand). Cytogenetic location: 2p16.3.
Variant type: single nucleotide variant.
Coding change: c.706C>G on transcript NM_000179.3 (MANE Select); coding-DNA position 706, C replaced by G.
Protein change: p.Gln236Glu; replaces glutamine 236 with glutamic acid.
Molecular consequence: missense variant. On other transcripts: 5 prime UTR variant (2).
Genome position (GRCh38, 1-based): chr2:47,798,689, C>G. VCF-style: chr2-47798689-C-G. GRCh37 (hg19) VCF-style: chr2-48025828-C-G.
Other names: c.316C>G, p.Gln106Glu (NM_001281492.2); c.-201C>G (NM_001281493.2, NM_001281494.2); short protein forms Q236E, Q106E.
Identifiers: ClinVar variation 964772 (VCV000964772.5), dbSNP rs63750996, ClinGen allele CA346739981.
Genomic context (GRCh38, chr2:47,798,689, plus strand): 5'-ACAGATAAGAGTGAAGAAGATAATGAAATTGAGAGTGAAGAGGAAGTACAGCCTAAGACA[C>G]AAGGATCTAGGCGAAGTAGCCGCCAAATAAAAAAACGAAGGGTCATATCAGATTCTGAGA-3'
Protein context (NP_000170.1, residues 226-246): ESEEEVQPKT[Gln236Glu]GSRRSSRQIK